The following is an entry in ClinVar:

NM_001393769.1(MED12L):c.1767T>C (p.Ser589=)

Gene: MED12L (mediator complex subunit 12L; plus strand). Cytogenetic location: 3q25.1.
Variant type: single nucleotide variant.
Coding change: c.1767T>C on transcript NM_001393769.1 (MANE Select); coding-DNA position 1767, T replaced by C.
Protein change: p.Ser589=; no amino-acid change (serine 589 retained).
Molecular consequence: synonymous variant.
Genome position (GRCh38, 1-based): chr3:151,190,730, T>C. VCF-style: chr3-151190730-T-C. GRCh37 (hg19) VCF-style: chr3-150908517-T-C.
Other names: c.1767T>C, p.Ser589= (NM_053002.6).
Identifiers: ClinVar variation 3067193 (VCV003067193.21), dbSNP rs34561681, ClinGen allele CA2666764.

ClinVar aggregate classification (germline): Likely benign (1 of 4 stars; one submission).

Allele frequency attached by ClinVar (database versions not stated): TOPMed 0.00124; 1000 Genomes Project 30x 0.00125; 1000 Genomes Project 0.00140; ESP Exome Variant Server 0.00215; gnomAD exomes 0.00258; gnomAD 0.00280; ExAC 0.00351.
gnomAD v4.1: 4,155 of 1,614,062 alleles (0.26%); highest among the groups gnomAD compares: Non-Finnish European, 0.22%; 26 homozygotes.

Submission:

CeGaT Center for Human Genetics Tuebingen
Classification: Likely benign. Last evaluated: 2026-03-01. Review status: criteria provided, single submitter. Criteria: CeGaT Center For Human Genetics Tuebingen Variant Classification Criteria Version 2. Collection method: clinical testing. Allele origin: germline. Affected: yes. Observed: 5 variant alleles.
Comment: MED12L: BP4, BP7, BS1